The following is an entry in ClinVar:

ClinVar aggregate classification (germline): Pathogenic (1 of 4 stars; one submission).

Submission:

Labcorp Genetics (formerly Invitae), Labcorp
Classification: Pathogenic. Last evaluated: 2020-08-14. Review status: criteria provided, single submitter. Criteria: Invitae Variant Classification Sherloc (09022015). Collection method: clinical testing. Allele origin: germline.
Comment: This sequence change creates a premature translational stop signal (p.Gln422*) in the ALDH3A2 gene. It is expected to result in an absent or disrupted protein product. This variant is not present in population databases (ExAC no frequency). This variant has not been reported in the literature in individuals with ALDH3A2-related conditions. Loss-of-function variants in ALDH3A2 are known to be pathogenic (PMID: 10577908, 10854114). For these reasons, this variant has been classified as Pathogenic.

Literature cited by the submitters: PubMed 10577908; PubMed 10854114.

NM_000382.3(ALDH3A2):c.1264C>T (p.Gln422Ter)

Gene: ALDH3A2 (aldehyde dehydrogenase 3 family member A2; plus strand). Cytogenetic location: 17p11.2.
Variant type: single nucleotide variant.
Coding change: c.1264C>T on transcript NM_000382.3 (MANE Select); coding-DNA position 1264, C replaced by T.
Protein change: p.Gln422Ter; replaces glutamine 422 with a stop codon.
Molecular consequence: nonsense. On other transcripts: intron variant (1).
Genome position (GRCh38, 1-based): chr17:19,671,777, C>T. VCF-style: chr17-19671777-C-T. GRCh37 (hg19) VCF-style: chr17-19575090-C-T.
Other names: c.1264C>T, p.Gln422Ter (NM_001031806.2, NM_001369136.1, NM_001369137.2 and 2 more transcripts); c.685C>T, p.Gln229Ter (NM_001369148.2); c.1208-3781C>T (NM_001369146.2); short protein forms Q229*, Q422*.
Identifiers: ClinVar variation 1072502 (VCV001072502.5), dbSNP rs2152333224, ClinGen allele CA398710692.